The following is an entry in ClinVar:

NM_145239.3(PRRT2):c.225G>A (p.Pro75=)

Genes: MVP-DT (MVP divergent transcript; minus strand), PRRT2 (proline rich transmembrane protein 2; plus strand). Cytogenetic location: 16p11.2.
Variant type: single nucleotide variant.
Coding change: c.225G>A on transcript NM_145239.3 (MANE Select); coding-DNA position 225, G replaced by A.
Protein change: p.Pro75=; no amino-acid change (proline 75 retained).
Molecular consequence: synonymous variant.
Genome position (GRCh38, 1-based): chr16:29,813,279, G>A. VCF-style: chr16-29813279-G-A. GRCh37 (hg19) VCF-style: chr16-29824600-G-A.
Other names: p.P75P:CCG>CCA; c.225G>A, p.Pro75= (NM_001256442.2, NM_001256443.2).
Identifiers: ClinVar variation 206679 (VCV000206679.53), dbSNP rs199662641, ClinGen allele CA317011.

ClinVar aggregate classification (germline): Benign/Likely benign. Review status: criteria provided, multiple submitters, no conflicts (2 of 4 stars). 9 submissions from 9 submitters: Benign (2); Likely benign (5). 2 of the submissions do not count toward it. Last evaluated 2025-12-14.

Conditions:
Inborn genetic diseases. Identifiers: MedGen C0950123, MeSH D030342.
Episodic kinesigenic dyskinesia (EKD). Also called: Paroxysmal kinesigenic dyskinesia. Identifiers: Orphanet 98809, MedGen C1868682, MONDO:0044202.

Allele frequency attached by ClinVar (database versions not stated): ExAC 0.00011; gnomAD exomes 0.00011 and 0.00023; TOPMed 0.00016; gnomAD 0.00019; ESP Exome Variant Server 0.00046.
gnomAD v4.1: 362 of 1,613,842 alleles (0.022%); highest among the groups gnomAD compares: Non-Finnish European, 0.028%; no homozygotes.

Submissions (9):

Labcorp Genetics (formerly Invitae), Labcorp
Classification: Likely benign for Episodic kinesigenic dyskinesia. Last evaluated: 2025-12-14. Review status: criteria provided, single submitter. Criteria: Invitae Variant Classification Sherloc (09022015). Collection method: clinical testing. Allele origin: germline.

ARUP Laboratories, Molecular Genetics and Genomics, ARUP Laboratories
Classification: Likely benign. Last evaluated: 2025-05-01. Review status: criteria provided, single submitter. Criteria: ARUP Molecular Germline Variant Investigation Process 2024. Collection method: clinical testing. Allele origin: germline.

Blueprint Genetics
Classification: Likely benign. Last evaluated: 2024-07-19. Review status: criteria provided, single submitter. Criteria: ACMG Guidelines, 2015. Collection method: clinical testing. Allele origin: germline.

CeGaT Center for Human Genetics Tuebingen
Classification: Likely benign. Last evaluated: 2020-04-01. Review status: criteria provided, single submitter. Criteria: CeGaT Center For Human Genetics Tuebingen Variant Classification Criteria Version 2. Collection method: clinical testing. Allele origin: germline. Affected: yes. Observed: 1 variant allele.

Ambry Genetics
Classification: Likely benign for Inborn genetic diseases. Last evaluated: 2018-01-29. Review status: criteria provided, single submitter. Criteria: Ambry Variant Classification Scheme 2023. Collection method: clinical testing. Allele origin: germline.

Athena Diagnostics
Classification: Benign. Last evaluated: 2017-05-12. Review status: criteria provided, single submitter. Criteria: Athena Diagnostics Criteria. Collection method: clinical testing. Allele origin: germline.

GeneDx
Classification: Benign. Last evaluated: 2015-01-19. Review status: criteria provided, single submitter. Criteria: GeneDx Variant Classification (06012015). Collection method: clinical testing. Allele origin: germline. Affected: yes.
Comment: This variant is considered likely benign or benign based on one or more of the following criteria: it is a conservative change, it occurs at a poorly conserved position in the protein, it is predicted to be benign by multiple in silico algorithms, and/or has population frequency not consistent with disease.

Clinical Genetics DNA and cytogenetics Diagnostics Lab, Erasmus MC, Erasmus Medical Center
Classification: Likely benign. Review status: no assertion criteria provided. Collection method: clinical testing. Allele origin: germline. Affected: yes. Study: VKGL Data-share Consensus. Not counted in ClinVar's aggregate classification.

Genome Diagnostics Laboratory, University Medical Center Utrecht
Classification: Likely benign. Review status: no assertion criteria provided. Collection method: clinical testing. Allele origin: germline. Affected: yes. Study: VKGL Data-share Consensus. Not counted in ClinVar's aggregate classification.

Literature cited by the submitters: PubMed 23077024 (cited by Athena Diagnostics); PubMed 23566103 (cited by Athena Diagnostics).